The following is an entry in ClinVar:

NM_022124.6(CDH23):c.5051G>C (p.Arg1684Pro)

Gene: CDH23 (cadherin related 23; plus strand). Cytogenetic location: 10q22.1.
Variant type: single nucleotide variant.
Coding change: c.5051G>C on transcript NM_022124.6 (MANE Select); coding-DNA position 5051, G replaced by C.
Protein change: p.Arg1684Pro; replaces arginine 1684 with proline.
Molecular consequence: missense variant.
Genome position (GRCh38, 1-based): chr10:71,777,885, G>C. VCF-style: chr10-71777885-G-C. GRCh37 (hg19) VCF-style: chr10-73537642-G-C.
Other names: short protein forms R1684P.
Identifiers: ClinVar variation 45963 (VCV000045963.15), dbSNP rs111033475, ClinGen allele CA137458.

ClinVar aggregate classification (germline): Conflicting classifications of pathogenicity. Review status: criteria provided, conflicting classifications (1 of 4 stars). 6 submissions from 6 submitters: Uncertain significance (5); Likely benign (1). Last evaluated 2026-07-02.

Conditions:
CDH23-related disorder. Also called: CDH23-related disorders; CDH23-related condition.
Inborn genetic diseases. Identifiers: MedGen C0950123, MeSH D030342.

Allele frequency attached by ClinVar (database versions not stated): gnomAD 0.00003; TOPMed 0.00002; 1000 Genomes Project 30x 0.00016; 1000 Genomes Project 0.00020.

Submissions (6):

Ambry Genetics
Classification: Uncertain significance for Inborn genetic diseases. Last evaluated: 2026-07-02. Review status: criteria provided, single submitter. Criteria: Ambry Variant Classification Scheme 2023. Collection method: clinical testing. Allele origin: germline.
Comment: The c.5051G>C (p.R1684P) alteration is located in exon 39 (coding exon 38) of the CDH23 gene. This alteration results from a G to C substitution at nucleotide position 5051, causing the arginine (R) at amino acid position 1684 to be replaced by a proline (P). Based on data from gnomAD, the C allele has an overall frequency of 0.003% (7/280422) total alleles studied. The highest observed frequency was 0.017% (6/35368) of Latino alleles. Based on insufficient or conflicting evidence, the clinical significance of this alteration remains unclear.

PreventionGenetics, part of Exact Sciences
Classification: Uncertain significance for CDH23-related condition. Last evaluated: 2025-11-07. Review status: criteria provided, single submitter. Criteria: ACMG Guidelines, 2015. Collection method: clinical testing. Allele origin: germline.
Comment: The CDH23 c.5051G>C variant is predicted to result in the amino acid substitution p.Arg1684Pro. To our knowledge, this variant has not been reported in the literature. This variant is reported in 0.017% of alleles in individuals of Latino descent in gnomAD. At this time, the clinical significance of this variant is uncertain due to the absence of conclusive functional and genetic evidence.

GeneDx
Classification: Uncertain significance. Last evaluated: 2025-08-11. Review status: criteria provided, single submitter. Criteria: GeneDx Variant Classification Process June 2021. Collection method: clinical testing. Allele origin: germline. Affected: yes.
Comment: In silico analysis suggests that this missense variant does not alter protein structure/function; Has not been previously published as pathogenic or benign to our knowledge

Labcorp Genetics (formerly Invitae), Labcorp
Classification: Uncertain significance. Last evaluated: 2022-08-22. Review status: criteria provided, single submitter. Criteria: Invitae Variant Classification Sherloc (09022015). Collection method: clinical testing. Allele origin: germline.
Comment: This sequence change replaces arginine, which is basic and polar, with proline, which is neutral and non-polar, at codon 1684 of the CDH23 protein (p.Arg1684Pro). This variant is present in population databases (rs111033475, gnomAD 0.02%). This variant has not been reported in the literature in individuals affected with CDH23-related conditions. ClinVar contains an entry for this variant (Variation ID: 45963). Algorithms developed to predict the effect of missense changes on protein structure and function are either unavailable or do not agree on the potential impact of this missense change (SIFT: "Tolerated"; PolyPhen-2: "Not Available"; Align-GVGD: "Class C0"). In summary, the available evidence is currently insufficient to determine the role of this variant in disease. Therefore, it has been classified as a Variant of Uncertain Significance.

Blueprint Genetics
Classification: Uncertain significance. Last evaluated: 2021-01-22. Review status: criteria provided, single submitter. Criteria: ACMG Guidelines, 2015. Collection method: clinical testing. Allele origin: germline.

Laboratory for Molecular Medicine, Mass General Brigham Personalized Medicine
Classification: Likely benign. Last evaluated: 2009-12-22. Review status: criteria provided, single submitter. Criteria: LMM Criteria. Collection method: clinical testing. Allele origin: germline. Observed: 2 variant alleles.
Comment: Arg1684Pro in exon 39 of CDH23: This variant is not expected to have clinical si gnificance because this residue is not highly conserved across species (mammals and birds). In addition, computational analyses do not suggest a high likelihood of clinical significance. The variant has been identified in 1/568 chromosomes from a broad population by the CLINSEQ project (dbSNP rs111033475).